The following is an entry in ClinVar:

NM_006941.4(SOX10):c.1027C>A (p.Pro343Thr)

Genes: POLR2F (RNA polymerase II, I and III subunit F; plus strand), SOX10 (SRY-box transcription factor 10; minus strand). Cytogenetic location: 22q13.1.
Variant type: single nucleotide variant.
Coding change: c.1027C>A on transcript NM_006941.4 (MANE Select); coding-DNA position 1027, C replaced by A.
Protein change: p.Pro343Thr; replaces proline 343 with threonine.
Molecular consequence: missense variant. On other transcripts: intron variant (3).
Genome position (GRCh38, 1-based): chr22:37,973,869, G>T on the plus strand (C>A on the coding strand, the complement: SOX10 is on the minus strand). VCF-style: chr22-37973869-G-T. GRCh37 (hg19) VCF-style: chr22-38369876-G-T.
Other names: c.*38+1559G>T (NM_001363825.1); c.293+6699G>T (NM_001301130.2, NM_001301131.2); short protein forms P343T.
Identifiers: ClinVar variation 2076415 (VCV002076415.3), dbSNP rs754480545, ClinGen allele CA10228544.

ClinVar aggregate classification (germline): Uncertain significance (1 of 4 stars; one submission).

Allele frequency attached by ClinVar (database versions not stated): gnomAD 0.00001; gnomAD exomes below 0.00001; TOPMed 0.00002; ExAC 0.00002.
gnomAD v4.1: 3 of 1,609,682 alleles (0.00019%); highest among the groups gnomAD compares: Admixed American, 0.0017%; no homozygotes.

Submission:

Labcorp Genetics (formerly Invitae), Labcorp
Classification: Uncertain significance. Last evaluated: 2023-07-10. Review status: criteria provided, single submitter. Criteria: Invitae Variant Classification Sherloc (09022015). Collection method: clinical testing. Allele origin: germline.
Comment: In summary, the available evidence is currently insufficient to determine the role of this variant in disease. Therefore, it has been classified as a Variant of Uncertain Significance. Advanced modeling of protein sequence and biophysical properties (such as structural, functional, and spatial information, amino acid conservation, physicochemical variation, residue mobility, and thermodynamic stability) performed at Invitae indicates that this missense variant is not expected to disrupt SOX10 protein function. ClinVar contains an entry for this variant (Variation ID: 2076415). This variant has not been reported in the literature in individuals affected with SOX10-related conditions. This variant is present in population databases (rs754480545, gnomAD 0.007%). This sequence change replaces proline, which is neutral and non-polar, with threonine, which is neutral and polar, at codon 343 of the SOX10 protein (p.Pro343Thr).